The following is an entry in ClinVar:

NM_014806.5(RUSC2):c.2650dup (p.Ser884fs)

Gene: RUSC2 (RUN and SH3 domain containing 2; plus strand). Cytogenetic location: 9p13.3.
Variant type: Duplication.
Coding change: c.2650dup on transcript NM_014806.5 (MANE Select); coding-DNA position 2650, one base duplicated (A; older notation c.2650dupA).
Protein change: p.Ser884fs; shifts the reading frame from serine 884.
Molecular consequence: frameshift variant. On other transcripts: non-coding transcript variant (1).
Genome position (GRCh38, 1-based): chr9:35,555,695, A duplicated. VCF-style (leftmost placement, unchanged base first): chr9-35555694-C-CA. GRCh37 (hg19) VCF-style: chr9-35555691-C-CA.
Other names: c.2650dup, p.Ser884fs (NM_001135999.2); c.16dup, p.Ser6fs (NM_001330740.2); short protein forms S884fs, S6fs.
Identifiers: ClinVar variation 4732274 (VCV004732274.1).

ClinVar aggregate classification (germline): Pathogenic (1 of 4 stars; one submission).

Submission:

Labcorp Genetics (formerly Invitae), Labcorp
Classification: Pathogenic. Last evaluated: 2025-12-01. Review status: criteria provided, single submitter. Criteria: Invitae Variant Classification Sherloc (09022015). Collection method: clinical testing. Allele origin: germline.
Comment: This sequence change creates a premature translational stop signal (p.Ser884Lysfs*2) in the RUSC2 gene. It is expected to result in an absent or disrupted protein product. Loss-of-function variants in RUSC2 are known to be pathogenic (PMID: 27612186). This variant is not present in population databases (gnomAD no frequency). This variant has not been reported in the literature in individuals affected with RUSC2-related conditions. For these reasons, this variant has been classified as Pathogenic.

Literature cited by the submitters: PubMed 27612186.